The following is an entry in ClinVar:

ClinVar aggregate classification (germline): Uncertain significance (1 of 4 stars; one submission).

Conditions:
Hyperkalemic periodic paralysis. Also called: Familial hyperkalemic periodic paralysis; Gamstorp disease. Identifiers: Orphanet 682, MedGen C0238357, MONDO:0008224, OMIM 170500, HP:0007215.

gnomAD v4.1: 2 of 1,613,056 alleles (0.00012%); highest among the groups gnomAD compares: Non-Finnish European, 0.00017%; no homozygotes.

Submission:

Labcorp Genetics (formerly Invitae), Labcorp
Classification: Uncertain significance for Hyperkalemic periodic paralysis. Last evaluated: 2023-05-22. Review status: criteria provided, single submitter. Criteria: Invitae Variant Classification Sherloc (09022015). Collection method: clinical testing. Allele origin: germline.
Comment: In summary, the available evidence is currently insufficient to determine the role of this variant in disease. Therefore, it has been classified as a Variant of Uncertain Significance. Advanced modeling of protein sequence and biophysical properties (such as structural, functional, and spatial information, amino acid conservation, physicochemical variation, residue mobility, and thermodynamic stability) has been performed at Invitae for this missense variant, however the output from this modeling did not meet the statistical confidence thresholds required to predict the impact of this variant on SCN4A protein function. This variant has not been reported in the literature in individuals affected with SCN4A-related conditions. This variant is not present in population databases (gnomAD no frequency). This sequence change replaces isoleucine, which is neutral and non-polar, with threonine, which is neutral and polar, at codon 586 of the SCN4A protein (p.Ile586Thr).

NM_000334.4(SCN4A):c.1757T>C (p.Ile586Thr)

Gene: SCN4A (sodium voltage-gated channel alpha subunit 4; minus strand). Cytogenetic location: 17q23.3.
Variant type: single nucleotide variant.
Coding change: c.1757T>C on transcript NM_000334.4 (MANE Select); coding-DNA position 1757, T replaced by C.
Protein change: p.Ile586Thr; replaces isoleucine 586 with threonine.
Molecular consequence: missense variant.
Genome position (GRCh38, 1-based): chr17:63,961,281, A>G on the plus strand (T>C on the coding strand, the complement: SCN4A is on the minus strand). VCF-style: chr17-63961281-A-G. GRCh37 (hg19) VCF-style: chr17-62038641-A-G.
Other names: short protein forms I586T.
Identifiers: ClinVar variation 2833807 (VCV002833807.3), dbSNP rs772943973, ClinGen allele CA400633136.